The following is an entry in ClinVar:

NM_017613.4(DONSON):c.482C>T (p.Thr161Met)

Gene: DONSON (DNA replication fork stabilization factor DONSON; minus strand). Cytogenetic location: 21q22.11.
Variant type: single nucleotide variant.
Coding change: c.482C>T on transcript NM_017613.4 (MANE Select); coding-DNA position 482, C replaced by T.
Protein change: p.Thr161Met; replaces threonine 161 with methionine.
Molecular consequence: missense variant.
Genome position (GRCh38, 1-based): chr21:33,586,102, G>A on the plus strand (C>T on the coding strand, the complement: DONSON is on the minus strand). VCF-style: chr21-33586102-G-A. GRCh37 (hg19) VCF-style: chr21-34958408-G-A.
Other names: short protein forms T161M.
Identifiers: ClinVar variation 3621528 (VCV003621528.3).
Genomic context (GRCh38, chr21:33,586,102, plus strand): 5'-TCCTGTGCTTTCAAATGATCTGCCCAGGTAAAGGGTTGAGAAGAGGTGAAAAGGAGTCGC[G>A]TTTTAATACTCCAGTCCACAGGTAACTCAGTACTTTTTGAGGACGGAATATCAGGCTCGG-3'
Protein context (NP_060083.1, residues 151-171): TELPVDWSIK[Thr161Met]RLLFTSSQPF

ClinVar aggregate classification (germline): Uncertain significance. Review status: criteria provided, multiple submitters, no conflicts (2 of 4 stars). 2 submissions from 2 submitters: Uncertain significance (2). Last evaluated 2025-09-08.

Submissions (2):

Labcorp Genetics (formerly Invitae), Labcorp
Classification: Uncertain significance. Last evaluated: 2025-09-08. Review status: criteria provided, single submitter. Criteria: Invitae Variant Classification Sherloc (09022015). Collection method: clinical testing. Allele origin: germline.
Comment: This sequence change replaces threonine, which is neutral and polar, with methionine, which is neutral and non-polar, at codon 161 of the DONSON protein (p.Thr161Met). This variant is present in population databases (no rsID available, gnomAD 0.004%). This variant has not been reported in the literature in individuals affected with DONSON-related conditions. ClinVar contains an entry for this variant (Variation ID: 3621528). Invitae Evidence Modeling of protein sequence and biophysical properties (such as structural, functional, and spatial information, amino acid conservation, physicochemical variation, residue mobility, and thermodynamic stability) indicates that this missense variant is expected to disrupt DONSON protein function with a positive predictive value of 80%. In summary, the available evidence is currently insufficient to determine the role of this variant in disease. Therefore, it has been classified as a Variant of Uncertain Significance.

Blueprint Genetics
Classification: Uncertain significance. Last evaluated: 2021-11-19. Review status: criteria provided, single submitter. Criteria: ACMG Guidelines, 2015. Collection method: clinical testing. Allele origin: germline.